The following is an entry in ClinVar:

NM_000489.6(ATRX):c.2066A>G (p.Gln689Arg)

Gene: ATRX (ATRX chromatin remodeler; minus strand). Cytogenetic location: Xq21.1.
Variant type: single nucleotide variant.
Coding change: c.2066A>G on transcript NM_000489.6 (MANE Select); coding-DNA position 2066, A replaced by G.
Protein change: p.Gln689Arg; replaces glutamine 689 with arginine.
Molecular consequence: missense variant.
Genome position (GRCh38, 1-based): chrX:77,683,190, T>C on the plus strand (A>G on the coding strand, the complement: ATRX is on the minus strand). VCF-style: chrX-77683190-T-C. GRCh37 (hg19) VCF-style: chrX-76938682-T-C.
Other names: c.1952A>G, p.Gln651Arg (NM_138270.5); short protein forms Q689R, Q651R.
Identifiers: ClinVar variation 450381 (VCV000450381.12), dbSNP rs929951326, ClinGen allele CA331569030.

ClinVar aggregate classification (germline): Uncertain significance. Review status: criteria provided, multiple submitters, no conflicts (2 of 4 stars). 6 submissions from 6 submitters: Uncertain significance (5). 1 of the submissions does not count toward it. Last evaluated 2025-05-21.

Conditions:
Alpha thalassemia-X-linked intellectual disability syndrome (ATRX). Also called: ALPHA-THALASSEMIA/MENTAL RETARDATION SYNDROME, X-LINKED; X-linked alpha-thalassemia-mental retardation syndrome; ATR-X syndrome; Alpha thalassemia mental retardation syndrome, nondeletion type, X-linked; XLMR hypotonic face syndrome; ATR, NONDELETION TYPE. Identifiers: Orphanet 847, MedGen C1845055, MONDO:0010519, OMIM 301040.
Intellectual disability-hypotonic facies syndrome, X-linked, 1 (MRXHF1). Also called: Smith Fineman Myers syndrome 1; XLMR-HYPOTONIC FACIES SYNDROME; CHUDLEY-LOWRY SYNDROME; Chudley syndrome 1; Chudley-Lowry-Hoar syndrome; Carpenter-Waziri syndrome. Identifiers: Orphanet 73220, Orphanet 93970, Orphanet 93971, Orphanet 93972, Orphanet 93973, Orphanet 93974, Orphanet 93975, MedGen C4759781, MONDO:0010663, OMIM 309580.
Inborn genetic diseases. Identifiers: MedGen C0950123, MeSH D030342.
Acquired hemoglobin H disease (ATMDS). Also called: Alpha-thalassemia myelodysplasia syndrome; Alpha-thalassemia-myelodysplastic syndrome; Alpha-thalassemia myelodysplasia syndrome, somatic. Identifiers: Orphanet 231401, MedGen C0585216, MONDO:0010328, OMIM 300448.

Allele frequency attached by ClinVar (database versions not stated): gnomAD 0.00001; gnomAD exomes below 0.00001; TOPMed 0.00002.
gnomAD v4.1: 4 of 1,207,829 alleles (0.00033%); highest among the groups gnomAD compares: Admixed American, 0.0044%; no homozygotes.

Submissions (6):

Ambry Genetics
Classification: Uncertain significance for Inborn genetic diseases. Last evaluated: 2025-05-21. Review status: criteria provided, single submitter. Criteria: Ambry Variant Classification Scheme 2023. Collection method: clinical testing. Allele origin: germline.

Labcorp Genetics (formerly Invitae), Labcorp
Classification: Uncertain significance for Alpha thalassemia-X-linked intellectual disability syndrome. Last evaluated: 2022-09-27. Review status: criteria provided, single submitter. Criteria: Invitae Variant Classification Sherloc (09022015). Collection method: clinical testing. Allele origin: germline.
Comment: This sequence change replaces glutamine, which is neutral and polar, with arginine, which is basic and polar, at codon 689 of the ATRX protein (p.Gln689Arg). This variant is not present in population databases (gnomAD no frequency). This variant has not been reported in the literature in individuals affected with ATRX-related conditions. ClinVar contains an entry for this variant (Variation ID: 450381). Advanced modeling of protein sequence and biophysical properties (such as structural, functional, and spatial information, amino acid conservation, physicochemical variation, residue mobility, and thermodynamic stability) performed at Invitae indicates that this missense variant is not expected to disrupt ATRX protein function. In summary, the available evidence is currently insufficient to determine the role of this variant in disease. Therefore, it has been classified as a Variant of Uncertain Significance.

Fulgent Genetics
Classification: Uncertain significance for Acquired hemoglobin H disease; Alpha thalassemia-X-linked intellectual disability syndrome; Intellectual disability-hypotonic facies syndrome, X-linked, 1. Last evaluated: 2022-04-01. Review status: criteria provided, single submitter. Criteria: ACMG Guidelines, 2015. Collection method: clinical testing. Allele origin: unknown.

Laboratorio de Genetica e Diagnostico Molecular, Hospital Israelita Albert Einstein
Classification: Uncertain significance for Intellectual disability-hypotonic facies syndrome, X-linked, 1. Last evaluated: 2021-12-27. Review status: criteria provided, single submitter. Criteria: ACMG Guidelines, 2015. Collection method: clinical testing. Allele origin: germline. Affected: yes. Observed: 1 variant allele.
Comment: ACMG classification criteria: PM2, BP4 supporting

GeneDx
Classification: Uncertain significance. Last evaluated: 2017-07-13. Review status: criteria provided, single submitter. Criteria: GeneDx Variant Classification (06012015). Collection method: clinical testing. Allele origin: germline. Affected: yes.
Comment: The Q689R variant in the ATRX gene has not been reported previously as a pathogenic variant, nor as a benign variant, to our knowledge. The Q689R variant is not observed in large population cohorts (Lek et al., 2016; 1000 Genomes Consortium et al., 2015; Exome Variant Server). The Q689R variant is a semi-conservative amino acid substitution, which may impact secondary protein structure as these residues differ in some properties. This substitution occurs at a position that is not conserved. In silico analysis predicts this variant likely does not alter the protein structure/function. We interpret Q689R as a variant of uncertain significance.

Natera, Inc.
Classification: Uncertain significance for X-linked alpha-thalassemia-mental retardation syndrome. Last evaluated: 2020-09-16. Review status: no assertion criteria provided. Collection method: clinical testing. Allele origin: germline. Not counted in ClinVar's aggregate classification.